The following is an entry in ClinVar:

ClinVar aggregate classification (germline): Likely pathogenic (1 of 4 stars; one submission).

Submission:

Labcorp Genetics (formerly Invitae), Labcorp
Classification: Likely pathogenic. Last evaluated: 2020-07-28. Review status: criteria provided, single submitter. Criteria: Invitae Variant Classification Sherloc (09022015). Collection method: clinical testing. Allele origin: germline.
Comment: In summary, the currently available evidence indicates that the variant is pathogenic, but additional data are needed to prove that conclusively. Therefore, this variant has been classified as Likely Pathogenic. This variant disrupts the p.Met147 amino acid residue in SLC26A4. Other variant(s) that disrupt this residue have been determined to be pathogenic (PMID: 15679828, 21961810, 14508505, 20826203, 18310264). This suggests that this residue is clinically significant, and that variants that disrupt this residue are likely to be disease-causing. This sequence change replaces methionine with leucine at codon 147 of the SLC26A4 protein (p.Met147Leu). The methionine residue is highly conserved and there is a small physicochemical difference between methionine and leucine. This variant is not present in population databases (ExAC no frequency). This variant has not been reported in the literature in individuals with SLC26A4-related conditions. Advanced modeling of protein sequence and biophysical properties (such as structural, functional, and spatial information, amino acid conservation, physicochemical variation, residue mobility, and thermodynamic stability) performed at Invitae indicates that this missense variant is expected to disrupt SLC26A4 protein function.

Literature cited by the submitters: PubMed 15679828; PubMed 21961810; PubMed 14508505; PubMed 20826203; PubMed 18310264.

NM_000441.2(SLC26A4):c.439A>C (p.Met147Leu)

Gene: SLC26A4 (solute carrier family 26 member 4; plus strand). Cytogenetic location: 7q22.3.
Variant type: single nucleotide variant.
Coding change: c.439A>C on transcript NM_000441.2 (MANE Select); coding-DNA position 439, A replaced by C.
Protein change: p.Met147Leu; replaces methionine 147 with leucine.
Molecular consequence: missense variant.
Genome position (GRCh38, 1-based): chr7:107,674,187, A>C. VCF-style: chr7-107674187-A-C. GRCh37 (hg19) VCF-style: chr7-107314632-A-C.
Other names: short protein forms M147L.
Identifiers: ClinVar variation 1067001 (VCV001067001.9), dbSNP rs760413427, ClinGen allele CA368847866.